The following is an entry in ClinVar:

NM_001042492.3(NF1):c.2268del (p.Arg758fs)

Gene: NF1 (neurofibromin 1; plus strand). Cytogenetic location: 17q11.2.
Variant type: Deletion.
Coding change: c.2268del on transcript NM_001042492.3 (MANE Select); coding-DNA position 2268, one base deleted (G; older notation c.2268delG).
Protein change: p.Arg758fs; shifts the reading frame from arginine 758.
Molecular consequence: frameshift variant.
Genome position (GRCh38, 1-based): chr17:31,227,234, G deleted. VCF-style (leftmost placement, unchanged base first): chr17-31227233-AG-A. GRCh37 (hg19) VCF-style: chr17-29554251-AG-A.
Other names: p.Arg758Glufs*2; c.2268delG, p.Arg758Glufs (NM_000267.4); short protein forms R758fs.
Identifiers: ClinVar variation 1459413 (VCV001459413.7), dbSNP rs2151426865, ClinGen allele CA2573153270.

ClinVar aggregate classification (germline): Pathogenic/Likely pathogenic. Review status: criteria provided, multiple submitters, no conflicts (2 of 4 stars). 3 submissions from 3 submitters: Pathogenic (2); Likely pathogenic (1). Last evaluated 2022-11-21.

Conditions:
Neurofibromatosis, type 1 (NF1). Also called: Neurofibromatosis, type I; VON RECKLINGHAUSEN DISEASE; NEUROFIBROMATOSIS, TYPE I, SOMATIC; Peripheral type neurofibromatosis. Identifiers: Orphanet 636, MedGen C0027831, MONDO:0018975, OMIM 162200. Disease mechanism: loss of function.

Submissions (3):

GeneDx
Classification: Pathogenic. Last evaluated: 2022-11-21. Review status: criteria provided, single submitter. Criteria: GeneDx Variant Classification Process June 2021. Collection method: clinical testing. Allele origin: germline. Affected: yes.
Comment: Frameshift variant predicted to result in protein truncation or nonsense mediated decay in a gene for which loss of function is a known mechanism of disease; Not observed at significant frequency in large population cohorts (gnomAD); Has not been previously published as pathogenic or benign to our knowledge

Mayo Clinic Laboratories, Mayo Clinic
Classification: Likely pathogenic. Last evaluated: 2022-09-07. Review status: criteria provided, single submitter. Criteria: ACMG Guidelines, 2015. Collection method: clinical testing. Allele origin: germline. Observed: 1 variant allele.
Comment: PM2, PVS1

Labcorp Genetics (formerly Invitae), Labcorp
Classification: Pathogenic for Neurofibromatosis, type 1. Last evaluated: 2021-09-15. Review status: criteria provided, single submitter. Criteria: Invitae Variant Classification Sherloc (09022015). Collection method: clinical testing. Allele origin: germline.
Comment: For these reasons, this variant has been classified as Pathogenic. This variant has not been reported in the literature in individuals affected with NF1-related conditions. This variant is not present in population databases (ExAC no frequency). This sequence change creates a premature translational stop signal (p.Arg758Glufs*2) in the NF1 gene. It is expected to result in an absent or disrupted protein product. Loss-of-function variants in NF1 are known to be pathogenic (PMID: 10712197, 23913538).

Literature cited by the submitters: PubMed 10712197 (cited by Labcorp Genetics (formerly Invitae), Labcorp); PubMed 23913538 (cited by Labcorp Genetics (formerly Invitae), Labcorp).